The following is an entry in ClinVar:

NM_005334.3(HCFC1):c.1763C>A (p.Thr588Asn)

Gene: HCFC1 (host cell factor C1; minus strand). Cytogenetic location: Xq28.
Variant type: single nucleotide variant.
Coding change: c.1763C>A on transcript NM_005334.3 (MANE Select); coding-DNA position 1763, C replaced by A.
Protein change: p.Thr588Asn; replaces threonine 588 with asparagine.
Molecular consequence: missense variant.
Genome position (GRCh38, 1-based): chrX:153,958,609, G>T on the plus strand (C>A on the coding strand, the complement: HCFC1 is on the minus strand). VCF-style: chrX-153958609-G-T. GRCh37 (hg19) VCF-style: chrX-153224060-G-T.
Other names: c.1763C>A, p.Thr588Asn (NM_001410705.1); short protein forms T588N.
Identifiers: ClinVar variation 2769160 (VCV002769160.3), dbSNP rs2521637150, ClinGen allele CA415134676.

ClinVar aggregate classification (germline): Uncertain significance (1 of 4 stars; one submission).

Conditions:
Methylmalonic acidemia with homocystinuria, type cblX (MAHCX). Also called: INTELLECTUAL DEVELOPMENTAL DISORDER, X-LINKED 3. Identifiers: Orphanet 369962, MedGen C0796208, MONDO:0010657, OMIM 309541.

Submission:

Labcorp Genetics (formerly Invitae), Labcorp
Classification: Uncertain significance for Methylmalonic acidemia with homocystinuria, type cblX. Last evaluated: 2023-06-04. Review status: criteria provided, single submitter. Criteria: Invitae Variant Classification Sherloc (09022015). Collection method: clinical testing. Allele origin: germline.
Comment: In summary, the available evidence is currently insufficient to determine the role of this variant in disease. Therefore, it has been classified as a Variant of Uncertain Significance. Advanced modeling of protein sequence and biophysical properties (such as structural, functional, and spatial information, amino acid conservation, physicochemical variation, residue mobility, and thermodynamic stability) performed at Invitae indicates that this missense variant is not expected to disrupt HCFC1 protein function. This variant has not been reported in the literature in individuals affected with HCFC1-related conditions. This variant is not present in population databases (gnomAD no frequency). This sequence change replaces threonine, which is neutral and polar, with asparagine, which is neutral and polar, at codon 588 of the HCFC1 protein (p.Thr588Asn).